The following is an entry in ClinVar:

NM_001323289.2(CDKL5):c.1767C>T (p.His589=)

Gene: CDKL5 (cyclin dependent kinase like 5; plus strand). Cytogenetic location: Xp22.13.
Variant type: single nucleotide variant.
Coding change: c.1767C>T on transcript NM_001323289.2 (MANE Select); coding-DNA position 1767, C replaced by T.
Protein change: p.His589=; no amino-acid change (histidine 589 retained).
Molecular consequence: synonymous variant.
Genome position (GRCh38, 1-based): chrX:18,604,691, C>T. VCF-style: chrX-18604691-C-T. GRCh37 (hg19) VCF-style: chrX-18622811-C-T.
Other names: NM_001323289.2(CDKL5):c.1767C>T; p.His589=; c.1767C>T, p.His589= (NM_001037343.2, NM_003159.3).
Identifiers: ClinVar variation 143784 (VCV000143784.16), dbSNP rs267608645, ClinGen allele CA170454.

ClinVar aggregate classification (germline): Benign. Review status: criteria provided, multiple submitters, no conflicts (2 of 4 stars). 5 submissions from 5 submitters: Benign (4). 1 of the submissions does not count toward it. Last evaluated 2025-04-09.

Conditions:
CDKL5 disorder. Identifiers: MedGen CN296942, MONDO:0100039.
Developmental and epileptic encephalopathy, 2 (DEE2). Also called: INFANTILE SPASM SYNDROME, X-LINKED 2; CDKL5 deficiency disorder. Identifiers: Orphanet 1934, Orphanet 3451, Orphanet 505652, MedGen C4750718, MONDO:0010396, OMIM 300672.
Angelman syndrome-like. Identifiers: MedGen CN128785.

Allele frequency attached by ClinVar (database versions not stated): gnomAD exomes 0.00027 and 0.00013; ExAC 0.00028; 1000 Genomes Project 30x 0.00104; 1000 Genomes Project 0.00106; gnomAD 0.00001 and 0.00009; TOPMed 0.00004.
gnomAD v4.1: 152 of 1,210,293 alleles (0.013%); highest among the groups gnomAD compares: South Asian, 0.24%; 2 homozygotes.

Submissions (5):

Labcorp Genetics (formerly Invitae), Labcorp
Classification: Benign for Developmental and epileptic encephalopathy, 2; Angelman syndrome-like. Last evaluated: 2025-04-09. Review status: criteria provided, single submitter. Criteria: Invitae Variant Classification Sherloc (09022015). Collection method: clinical testing. Allele origin: germline.

Centre for Population Genomics, CPG
Classification: Benign for CDKL5 disorder. Last evaluated: 2024-07-02. Review status: criteria provided, single submitter. Criteria: McKnight et al. (Hum Mutat. 2022). Collection method: curation. Allele origin: germline. Inheritance: X-linked inheritance.
Comment: This variant has been collected from RettBASE and curated to current modified ACMG/AMP criteria. Based on the classification scheme defined by the ClinGen Rett/Angelman-like Expert Panel for Rett/AS-like Disorders Specifications to the ACMG/AMP Variant Interpretation Guidelines VCEP 3.0, this variant is classified as benign. At least the following criteria are met: The allele frequency of this variant in at least one population in gnomAD v3 is higher than the 0.03% threshold defined by the ClinGen Rett/Angelman-like Expert Panel for Rett/AS-like Disorders VCEP 3.0 (BA1).

GeneDx
Classification: Benign. Last evaluated: 2020-08-25. Review status: criteria provided, single submitter. Criteria: GeneDx Variant Classification Process June 2021. Collection method: clinical testing. Allele origin: germline. Affected: yes.
Comment: This variant is associated with the following publications: (PMID: 23242510, 21775177)

Mendelics
Classification: Benign for Developmental and epileptic encephalopathy, 2. Last evaluated: 2019-05-28. Review status: criteria provided, single submitter. Criteria: Mendelics Assertion Criteria 2017. Collection method: clinical testing. Allele origin: unknown.

RettBASE
Classification: Benign. Last evaluated: 2014-03-13. Review status: no assertion criteria provided. Collection method: curation. Allele origin: unknown. Observed: 1 variant allele. Not counted in ClinVar's aggregate classification.

Literature cited by the submitters: PubMed 21775177 (cited by RettBASE).